The following is an entry in ClinVar:

ClinVar aggregate classification (germline): Pathogenic (1 of 4 stars; one submission).

Submission:

Labcorp Genetics (formerly Invitae), Labcorp
Classification: Pathogenic. Last evaluated: 2022-01-11. Review status: criteria provided, single submitter. Criteria: Invitae Variant Classification Sherloc (09022015). Collection method: clinical testing. Allele origin: germline.
Comment: For these reasons, this variant has been classified as Pathogenic. This variant has not been reported in the literature in individuals affected with CYP19A1-related conditions. This variant is not present in population databases (gnomAD no frequency). This sequence change creates a premature translational stop signal (p.Leu30Serfs*77) in the CYP19A1 gene. It is expected to result in an absent or disrupted protein product. Loss-of-function variants in CYP19A1 are known to be pathogenic (PMID: 14602738, 27086564, 27256151).

Literature cited by the submitters: PubMed 14602738; PubMed 27086564; PubMed 27256151.

NM_000103.4(CYP19A1):c.87del (p.Leu30fs)

Genes: CYP19A1 (cytochrome P450 family 19 subfamily A member 1; minus strand), MIR4713HG (MIR4713 host gene; plus strand), PIRC66 (piwi-interacting RNA cluster 66; plus strand). Cytogenetic location: 15q21.2.
Variant type: Deletion.
Coding change: c.87del on transcript NM_000103.4 (MANE Select); coding-DNA position 87, one base deleted (G; older notation c.87delG).
Protein change: p.Leu30fs; shifts the reading frame from leucine 30.
Molecular consequence: frameshift variant.
Genome position (GRCh38, 1-based): chr15:51,242,826, C deleted on the plus strand (G on the coding strand, the reverse complement: CYP19A1 is on the minus strand). VCF-style (leftmost placement, unchanged base first): chr15-51242825-GC-G. GRCh37 (hg19) VCF-style: chr15-51535022-GC-G.
Other names: c.87del, p.Leu30fs (NM_001347248.1, NM_001347249.2, NM_001347250.2 and 7 more transcripts); short protein forms L30fs.
Identifiers: ClinVar variation 2079556 (VCV002079556.4), dbSNP rs2542486879, ClinGen allele CA2580089738.
Genomic context (GRCh38, chr15:51,242,825, plus strand): 5'-TACCTGGTATTGAGGATGTGCCCTCATAATTCCACACCAAGAGAAAAAGGCCAGTGAGGA[GC>G]AGGACTGGCATGGTGGCAGCAGGCATGGCTTCAGGCACGATGCTGGTGATGTTATAATGT-3'